The following is an entry in ClinVar:

NM_000135.4(FANCA):c.3629T>C (p.Phe1210Ser)

Gene: FANCA (FA complementation group A; minus strand). Cytogenetic location: 16q24.3.
Variant type: single nucleotide variant.
Coding change: c.3629T>C on transcript NM_000135.4 (MANE Select); coding-DNA position 3629, T replaced by C.
Protein change: p.Phe1210Ser; replaces phenylalanine 1210 with serine.
Molecular consequence: missense variant.
Genome position (GRCh38, 1-based): chr16:89,742,936, A>G on the plus strand (T>C on the coding strand, the complement: FANCA is on the minus strand). VCF-style: chr16-89742936-A-G. GRCh37 (hg19) VCF-style: chr16-89809344-A-G.
Other names: c.3629T>C, p.Phe1210Ser (NM_001286167.3); short protein forms F1210S.
Identifiers: ClinVar variation 1699730 (VCV001699730.4), dbSNP rs1250230818, ClinGen allele CA397485549.

ClinVar aggregate classification (germline): Uncertain significance. Review status: criteria provided, multiple submitters, no conflicts (2 of 4 stars). 2 submissions from 2 submitters: Uncertain significance (2). Last evaluated 2025-05-15.

Conditions:
Inborn genetic diseases. Identifiers: MedGen C0950123, MeSH D030342.

Allele frequency attached by ClinVar (database versions not stated): gnomAD 0.00001; gnomAD exomes below 0.00001; TOPMed 0.00001.
gnomAD v4.1: 4 of 1,613,738 alleles (0.00025%); highest among the groups gnomAD compares: African/African-American, 0.004%; no homozygotes.

Submissions (2):

Ambry Genetics
Classification: Uncertain significance for Inborn genetic diseases. Last evaluated: 2025-05-15. Review status: criteria provided, single submitter. Criteria: Ambry Variant Classification Scheme 2023. Collection method: clinical testing. Allele origin: germline.
Comment: The p.F1210S variant (also known as c.3629T>C), located in coding exon 37 of the FANCA gene, results from a T to C substitution at nucleotide position 3629. The phenylalanine at codon 1210 is replaced by serine, an amino acid with highly dissimilar properties. This amino acid position is conserved. In addition, the in silico prediction for this alteration is inconclusive. Based on the available evidence, the clinical significance of this variant remains unclear.

GeneDx
Classification: Uncertain significance. Last evaluated: 2022-01-18. Review status: criteria provided, single submitter. Criteria: GeneDx Variant Classification Process June 2021. Collection method: clinical testing. Allele origin: germline. Affected: yes.
Comment: Not observed at significant frequency in large population cohorts (gnomAD); In silico analysis supports that this missense variant has a deleterious effect on protein structure/function; Has not been previously published as pathogenic or benign to our knowledge